The following is an entry in ClinVar:

NM_032043.3(BRIP1):c.2561G>A (p.Ser854Asn)

Gene: BRIP1 (BRCA1 interacting DNA helicase 1; minus strand). Cytogenetic location: 17q23.2.
Variant type: single nucleotide variant.
Coding change: c.2561G>A on transcript NM_032043.3 (MANE Select); coding-DNA position 2561, G replaced by A.
Protein change: p.Ser854Asn; replaces serine 854 with asparagine.
Molecular consequence: missense variant.
Genome position (GRCh38, 1-based): chr17:61,693,444, C>T on the plus strand (G>A on the coding strand, the complement: BRIP1 is on the minus strand). VCF-style: chr17-61693444-C-T. GRCh37 (hg19) VCF-style: chr17-59770805-C-T.
Other names: short protein forms S854N.
Identifiers: ClinVar variation 936371 (VCV000936371.10), dbSNP rs2061477133, ClinGen allele CA400482361.
Genomic context (GRCh38, chr17:61,693,444, plus strand): 5'-TGAAGATTGTTACTAGTTTTTACTCTAAGCCCAGCTGAGATCTTACCAGATATATAGCGA[C>T]TTGGGTTATTCCTAAAGCGATCATCCACTAGAATAAGAGCTCCCCAATCATTTCTGTGTC-3'
Protein context (NP_114432.2, residues 844-864): LVDDRFRNNP[Ser854Asn]RYISGLSKWV

ClinVar aggregate classification (germline): Uncertain significance (1 of 4 stars; one submission).

Conditions:
Familial cancer of breast. Also called: hereditary breast carcinoma; BREAST CANCER, FAMILIAL; Hereditary breast cancer. Identifiers: Orphanet 227535, MedGen C0346153, MONDO:0016419, OMIM 114480. Disease mechanism: loss of function.
Fanconi anemia complementation group J. Also called: BRIP1-Related Fanconi Anemia. Identifiers: Orphanet 84, MedGen C1836860, MONDO:0012187, OMIM 609054.

gnomAD v4.1: 1 of 1,613,262 alleles (0.000062%); highest among the groups gnomAD compares: Non-Finnish European, 0.000085%; no homozygotes.

Submission:

Labcorp Genetics (formerly Invitae), Labcorp
Classification: Uncertain significance for Familial cancer of breast; Fanconi anemia complementation group J. Last evaluated: 2023-11-02. Review status: criteria provided, single submitter. Criteria: Invitae Variant Classification Sherloc (09022015). Collection method: clinical testing. Allele origin: germline.
Comment: This sequence change replaces serine, which is neutral and polar, with asparagine, which is neutral and polar, at codon 854 of the BRIP1 protein (p.Ser854Asn). This variant is not present in population databases (gnomAD no frequency). This variant has not been reported in the literature in individuals affected with BRIP1-related conditions. ClinVar contains an entry for this variant (Variation ID: 936371). Advanced modeling of protein sequence and biophysical properties (such as structural, functional, and spatial information, amino acid conservation, physicochemical variation, residue mobility, and thermodynamic stability) performed at Invitae indicates that this missense variant is not expected to disrupt BRIP1 protein function with a negative predictive value of 80%. In summary, the available evidence is currently insufficient to determine the role of this variant in disease. Therefore, it has been classified as a Variant of Uncertain Significance.